The following is an entry in ClinVar:

ClinVar aggregate classification (germline): Uncertain significance. Review status: criteria provided, multiple submitters, no conflicts (2 of 4 stars). 2 submissions from 2 submitters: Uncertain significance (2). Last evaluated 2025-02-23.

Conditions:
VISS syndrome. Also called: VASCULAR ANEURYSM, IMMUNE DYSREGULATION, SKELETAL ANOMALIES, AND SKIN AND JOINT LAXITY. Identifiers: MedGen C5561955, MONDO:0859177, OMIM 619472.

Allele frequency attached by ClinVar (database versions not stated): TOPMed below 0.00001.

Submissions (2):

GeneDx
Classification: Uncertain significance. Last evaluated: 2025-02-23. Review status: criteria provided, single submitter. Criteria: GeneDx Variant Classification Process June 2021. Collection method: clinical testing. Allele origin: germline. Affected: yes.
Comment: Not observed at significant frequency in large population cohorts (gnomAD); In silico analysis supports that this missense variant has a deleterious effect on protein structure/function; Has not been previously published as pathogenic or benign to our knowledge

Institute of Human Genetics, Cologne University
Classification: Uncertain significance for VISS syndrome. Last evaluated: 2023-12-01. Review status: criteria provided, single submitter. Criteria: ACMG Guidelines, 2015. Collection method: clinical testing. Allele origin: germline.

NM_006390.4(IPO8):c.2126T>C (p.Leu709Pro)

Gene: IPO8 (importin 8; minus strand). Cytogenetic location: 12p11.21.
Variant type: single nucleotide variant.
Coding change: c.2126T>C on transcript NM_006390.4 (MANE Select); coding-DNA position 2126, T replaced by C.
Protein change: p.Leu709Pro; replaces leucine 709 with proline.
Molecular consequence: missense variant.
Genome position (GRCh38, 1-based): chr12:30,652,238, A>G on the plus strand (T>C on the coding strand, the complement: IPO8 is on the minus strand). VCF-style: chr12-30652238-A-G. GRCh37 (hg19) VCF-style: chr12-30805172-A-G.
Other names: c.1511T>C, p.Leu504Pro (NM_001190995.2); c.2126T>C (NM_006390.3); short protein forms L504P, L709P.
Identifiers: ClinVar variation 2664318 (VCV002664318.2), dbSNP rs2052737583, ClinGen allele CA384224854.